The following is an entry in ClinVar:

NM_173660.5(DOK7):c.396C>G (p.His132Gln)

Gene: DOK7 (docking protein 7; plus strand). Cytogenetic location: 4p16.3.
Variant type: single nucleotide variant.
Coding change: c.396C>G on transcript NM_173660.5 (MANE Select); coding-DNA position 396, C replaced by G.
Protein change: p.His132Gln; replaces histidine 132 with glutamine.
Molecular consequence: missense variant. On other transcripts: intron variant (1).
Genome position (GRCh38, 1-based): chr4:3,476,406, C>G. VCF-style: chr4-3476406-C-G. GRCh37 (hg19) VCF-style: chr4-3478133-C-G.
Other names: c.396C>G, p.His132Gln (NM_001164673.2, NM_001301071.2); c.101-9133C>G (NM_001363811.2); short protein forms H132Q.
Identifiers: ClinVar variation 1426209 (VCV001426209.6), dbSNP rs779798129, ClinGen allele CA356114241.
Genomic context (GRCh38, chr4:3,476,406, plus strand): 5'-TAGGTTCCATGTGACAGTGGCTCCAGGCACCAAGTTGGAGAGCGGCCCGGCTACCCTGCA[C>G]CTCTGCAATGATGTCCTCGTCTTGGCCAGGGACATCCCCCCGGCTGTCACGGGGCAGTGG-3'
Protein context (NP_775931.3, residues 122-142): TKLESGPATL[His132Gln]LCNDVLVLAR

ClinVar aggregate classification (germline): Likely pathogenic (1 of 4 stars; one submission).

Conditions:
Congenital myasthenic syndrome 10. Also called: Myasthenia, limb-girdle, familial. Identifiers: Orphanet 590, MedGen C1850792, MONDO:0009690, OMIM 254300.
Fetal akinesia deformation sequence 1 (FADS1). Also called: Pena-Shokeir syndrome type I; Fetal akinesia sequence. Identifiers: Orphanet 994, MedGen C1276035, MONDO:0100101, OMIM 208150, HP:0001989.

Submission:

Labcorp Genetics (formerly Invitae), Labcorp
Classification: Likely pathogenic for Congenital myasthenic syndrome 10; Fetal akinesia deformation sequence 1. Last evaluated: 2022-11-29. Review status: criteria provided, single submitter. Criteria: Invitae Variant Classification Sherloc (09022015). Collection method: clinical testing. Allele origin: germline.
Comment: This missense change has been observed in individual(s) with congenital myasthenic syndrome (PMID: 17439981). In at least one individual the data is consistent with being in trans (on the opposite chromosome) from a pathogenic variant. It has also been observed to segregate with disease in related individuals. ClinVar contains an entry for this variant (Variation ID: 1426209). Advanced modeling of protein sequence and biophysical properties (such as structural, functional, and spatial information, amino acid conservation, physicochemical variation, residue mobility, and thermodynamic stability) performed at Invitae indicates that this missense variant is expected to disrupt DOK7 protein function. Experimental studies are conflicting or provide insufficient evidence to determine the effect of this variant on DOK7 function (PMID: 20603078). In summary, the currently available evidence indicates that the variant is pathogenic, but additional data are needed to prove that conclusively. Therefore, this variant has been classified as Likely Pathogenic. This sequence change replaces histidine, which is basic and polar, with glutamine, which is neutral and polar, at codon 132 of the DOK7 protein (p.His132Gln). This variant is not present in population databases (gnomAD no frequency).

Literature cited by the submitters: PubMed 17439981; PubMed 20603078.